The following is an entry in ClinVar:

NM_001927.4(DES):c.1009G>C (p.Ala337Pro)

Gene: DES (desmin; plus strand). Cytogenetic location: 2q35.
Variant type: single nucleotide variant.
Coding change: c.1009G>C on transcript NM_001927.4 (MANE Select); coding-DNA position 1009, G replaced by C.
Protein change: p.Ala337Pro; replaces alanine 337 with proline.
Molecular consequence: missense variant.
Genome position (GRCh38, 1-based): chr2:219,420,939, G>C. VCF-style: chr2-219420939-G-C. GRCh37 (hg19) VCF-style: chr2-220285661-G-C.
Other names: c.1009G>C, p.Ala337Pro (LRG_380t1); short protein forms A337P.
Identifiers: ClinVar variation 16820 (VCV000016820.28), dbSNP rs59962885, ClinGen allele CA216997.

ClinVar aggregate classification (germline): Conflicting classifications of pathogenicity. Review status: criteria provided, conflicting classifications (1 of 4 stars). 6 submissions from 6 submitters: Pathogenic (3); Uncertain significance (1). 2 of the submissions do not count toward it. Last evaluated 2025-01-02.

Conditions:
Desmin-related myofibrillar myopathy (MFM1). Also called: Desminopathy; MYOFIBRILLAR MYOPATHY WITH ARRHYTHMOGENIC RIGHT VENTRICULAR CARDIOMYOPATHY; DESMIN-RELATED MYOPATHY WITH ARRHYTHMOGENIC RIGHT VENTRICULAR CARDIOMYOPATHY; Myofibrillar myopathy 1; Desmin related myopathy (former name); Desmin storage myopathy (former name). Identifiers: Orphanet 363543, Orphanet 98909, MedGen C1832370, MONDO:0011076, OMIM 601419.
Dilated cardiomyopathy 1I (CMD1I). Identifiers: Orphanet 154, MedGen C1858154, MONDO:0011482, OMIM 604765.

Submissions (6):

Women's Health and Genetics/Laboratory Corporation of America, LabCorp
Classification: Pathogenic for Desmin-related myofibrillar myopathy. Last evaluated: 2025-01-02. Review status: criteria provided, single submitter. Criteria: LabCorp Variant Classification Summary - May 2015. Collection method: clinical testing. Allele origin: germline.
Comment: Variant summary: DES c.1009G>C (p.Ala337Pro) results in a non-conservative amino acid change located in the rod domain (IPR039008) of the encoded protein sequence. Five of five in-silico tools predict a damaging effect of the variant on protein function. The variant was absent in 250286 control chromosomes (gnomAD). c.1009G>C has been reported in the literature in heterozygous state in multiple families, in individuals affected with Desmin-related myofibrillar myopathy and cardiac involvement (e.g. Goldfarb_1998, Goudeau_2006, Kulikova_2021). These data indicate that the variant is likely to be associated with disease. Publications also reported experimental evidence evaluating an impact on protein function, and demonstrated that the variant resulted in abnormal cytoplasmic aggregate formation in the majority of transfected cells (e.g. Goudeau_2006, Kulikova_2021). The following publications have been ascertained in the context of this evaluation (PMID: 9697706, 16865695, 33478057). ClinVar contains an entry for this variant (Variation ID: 16820). Based on the evidence outlined above, the variant was classified as pathogenic for autosomal dominant myofibrillar myopathy and cardiac involvement.

Labcorp Genetics (formerly Invitae), Labcorp
Classification: Uncertain significance for Desmin-related myofibrillar myopathy. Last evaluated: 2024-07-06. Review status: criteria provided, single submitter. Criteria: Invitae Variant Classification Sherloc (09022015). Collection method: clinical testing. Allele origin: germline.
Comment: This sequence change replaces alanine, which is neutral and non-polar, with proline, which is neutral and non-polar, at codon 337 of the DES protein (p.Ala337Pro). This variant is not present in population databases (gnomAD no frequency). This missense change has been observed in individuals with DES-related conditions (PMID: 9697706, 17199740, 33478057, 34418069). ClinVar contains an entry for this variant (Variation ID: 16820). Advanced modeling of protein sequence and biophysical properties (such as structural, functional, and spatial information, amino acid conservation, physicochemical variation, residue mobility, and thermodynamic stability) performed at Invitae indicates that this missense variant is expected to disrupt DES protein function with a positive predictive value of 80%. Experimental studies have shown that this missense change affects DES function (PMID: 23530264, 33478057). In summary, the available evidence is currently insufficient to determine the role of this variant in disease. Therefore, it has been classified as a Variant of Uncertain Significance.

CeGaT Center for Human Genetics Tuebingen
Classification: Pathogenic. Last evaluated: 2024-03-01. Review status: criteria provided, single submitter. Criteria: CeGaT Center For Human Genetics Tuebingen Variant Classification Criteria Version 2. Collection method: clinical testing. Allele origin: germline. Affected: yes. Observed: 1 variant allele.
Comment: DES: PM1, PM2, PP1:Moderate, PS3:Moderate, PS4:Moderate

Petrovsky National Research Centre of Surgery, The Federal Agency for Scientific Organizations
Classification: Pathogenic for Dilated cardiomyopathy 1I. Last evaluated: 2019-11-18. Review status: criteria provided, single submitter. Criteria: ACMG Guidelines, 2015. Collection method: clinical testing. Allele origin: unknown. Inheritance: Autosomal dominant inheritance. Affected: yes. Observed: 1 heterozygote.
Comment: The c.1009G>C variant has been previously reported in association with skeletal myopathy with familial segregation (PMID: 9697706), and it has a very low frequency (rs59962885). Clinvar has an entry for this variant (Variation ID:16820). Functional study of the variant shows disruptive effect of proline in helical structure of the protein which leads to a loss of normal function (PMID: 16865695). Based on this evidences the c.1009G>C is classified as Pathogenic.

OMIM
Classification: Pathogenic for MYOPATHY, MYOFIBRILLAR, 1. Last evaluated: 1998-08-01. Review status: no assertion criteria provided. Collection method: literature only. Allele origin: germline. Not counted in ClinVar's aggregate classification.

Epithelial Biology;  Institute of Medical Biology, Singapore
No classification provided. Review status: no classification provided. Collection method: not provided. Allele origin: not provided. Not counted in ClinVar's aggregate classification.

Literature cited by the submitters: PubMed 16865695 (cited by Women's Health and Genetics/Laboratory Corporation of America, LabCorp); PubMed 9697706 (cited by 3 submitters); PubMed 33478057 (cited by Women's Health and Genetics/Laboratory Corporation of America, LabCorp and Labcorp Genetics (formerly Invitae), Labcorp); PubMed 17199740 (cited by Labcorp Genetics (formerly Invitae), Labcorp); PubMed 34418069 (cited by Labcorp Genetics (formerly Invitae), Labcorp); PubMed 23530264 (cited by Labcorp Genetics (formerly Invitae), Labcorp).